The following is an entry in ClinVar:

ClinVar aggregate classification (germline): Uncertain significance (1 of 4 stars; one submission).

Allele frequency attached by ClinVar (database versions not stated): gnomAD 0.00001; TOPMed 0.00003; ESP Exome Variant Server 0.00008; 1000 Genomes Project 30x 0.00031.

Submission:

Labcorp Genetics (formerly Invitae), Labcorp
Classification: Uncertain significance. Last evaluated: 2022-03-02. Review status: criteria provided, single submitter. Criteria: Invitae Variant Classification Sherloc (09022015). Collection method: clinical testing. Allele origin: germline.
Comment: This variant is present in population databases (rs144917154, gnomAD 0.01%). In summary, the available evidence is currently insufficient to determine the role of this variant in disease. Therefore, it has been classified as a Variant of Uncertain Significance. This variant has not been reported in the literature in individuals affected with VSX1-related conditions. This sequence change creates a premature translational stop signal (p.Arg194*) in the VSX1 gene. It is expected to result in an absent or disrupted protein product. However, the current clinical and genetic evidence is not sufficient to establish whether loss-of-function variants in VSX1 cause disease.

NM_014588.6(VSX1):c.580C>T (p.Arg194Ter)

Gene: VSX1 (visual system homeobox 1; minus strand). Cytogenetic location: 20p11.21.
Variant type: single nucleotide variant.
Coding change: c.580C>T on transcript NM_014588.6 (MANE Select); coding-DNA position 580, C replaced by T.
Protein change: p.Arg194Ter; replaces arginine 194 with a stop codon.
Molecular consequence: nonsense. On other transcripts: non-coding transcript variant (3).
Genome position (GRCh38, 1-based): chr20:25,078,876, G>A on the plus strand (C>T on the coding strand, the complement: VSX1 is on the minus strand). VCF-style: chr20-25078876-G-A. GRCh37 (hg19) VCF-style: chr20-25059512-G-A.
Other names: c.580C>T, p.Arg194Ter (NM_001256271.2, NM_001256272.2, NM_199425.3); short protein forms R194*.
Identifiers: ClinVar variation 1916369 (VCV001916369.5), dbSNP rs144917154, ClinGen allele CA313663440.